The following is an entry in ClinVar:

NM_014956.5(CEP164):c.3430A>G (p.Ser1144Gly)

Gene: CEP164 (centrosomal protein 164; plus strand). Cytogenetic location: 11q23.3.
Variant type: single nucleotide variant.
Coding change: c.3430A>G on transcript NM_014956.5 (MANE Select); coding-DNA position 3430, A replaced by G.
Protein change: p.Ser1144Gly; replaces serine 1144 with glycine.
Molecular consequence: missense variant.
Genome position (GRCh38, 1-based): chr11:117,397,242, A>G. VCF-style: chr11-117397242-A-G. GRCh37 (hg19) VCF-style: chr11-117267958-A-G.
Other names: c.3439A>G, p.Ser1147Gly (NM_001271933.2); short protein forms S1147G, S1144G.
Identifiers: ClinVar variation 1408004 (VCV001408004.8), dbSNP rs2136503745, ClinGen allele CA382736606.

ClinVar aggregate classification (germline): Uncertain significance (1 of 4 stars; one submission).

Conditions:
Nephronophthisis 15 (NPHP15). Identifiers: Orphanet 3156, MedGen C3541853, MONDO:0013917, OMIM 614845.

Allele frequency attached by ClinVar (database versions not stated): gnomAD exomes below 0.00001.

Submission:

Labcorp Genetics (formerly Invitae), Labcorp
Classification: Uncertain significance for Nephronophthisis 15. Last evaluated: 2023-10-07. Review status: criteria provided, single submitter. Criteria: Invitae Variant Classification Sherloc (09022015). Collection method: clinical testing. Allele origin: germline.
Comment: This sequence change replaces serine, which is neutral and polar, with glycine, which is neutral and non-polar, at codon 1144 of the CEP164 protein (p.Ser1144Gly). This variant is not present in population databases (gnomAD no frequency). This variant has not been reported in the literature in individuals affected with CEP164-related conditions. ClinVar contains an entry for this variant (Variation ID: 1408004). Advanced modeling of protein sequence and biophysical properties (such as structural, functional, and spatial information, amino acid conservation, physicochemical variation, residue mobility, and thermodynamic stability) performed at Invitae indicates that this missense variant is not expected to disrupt CEP164 protein function. In summary, the available evidence is currently insufficient to determine the role of this variant in disease. Therefore, it has been classified as a Variant of Uncertain Significance.